The following is an entry in ClinVar:

NM_004958.4(MTOR):c.94C>T (p.Arg32Trp)

Gene: MTOR (mechanistic target of rapamycin kinase; minus strand). Cytogenetic location: 1p36.22.
Variant type: single nucleotide variant.
Coding change: c.94C>T on transcript NM_004958.4 (MANE Select); coding-DNA position 94, C replaced by T.
Protein change: p.Arg32Trp; replaces arginine 32 with tryptophan.
Molecular consequence: missense variant. On other transcripts: 5 prime UTR variant (1).
Genome position (GRCh38, 1-based): chr1:11,259,316, G>A on the plus strand (C>T on the coding strand, the complement: MTOR is on the minus strand). VCF-style: chr1-11259316-G-A. GRCh37 (hg19) VCF-style: chr1-11319373-G-A.
Other names: c.94C>T, p.Arg32Trp (NM_001386500.1); c.-1046C>T (NM_001386501.1); short protein forms R32W.
Identifiers: ClinVar variation 1995160 (VCV001995160.4), dbSNP rs1446194159, ClinGen allele CA338405307.

ClinVar aggregate classification (germline): Uncertain significance (1 of 4 stars; one submission).

Allele frequency attached by ClinVar (database versions not stated): gnomAD exomes below 0.00001; TOPMed below 0.00001; gnomAD 0.00001.
gnomAD v4.1: 3 of 1,613,556 alleles (0.00019%); highest among the groups gnomAD compares: Admixed American, 0.0033%; no homozygotes.

Submission:

Labcorp Genetics (formerly Invitae), Labcorp
Classification: Uncertain significance. Last evaluated: 2022-09-06. Review status: criteria provided, single submitter. Criteria: Invitae Variant Classification Sherloc (09022015). Collection method: clinical testing. Allele origin: germline.
Comment: In summary, the available evidence is currently insufficient to determine the role of this variant in disease. Therefore, it has been classified as a Variant of Uncertain Significance. Advanced modeling of protein sequence and biophysical properties (such as structural, functional, and spatial information, amino acid conservation, physicochemical variation, residue mobility, and thermodynamic stability) performed at Invitae indicates that this missense variant is expected to disrupt MTOR protein function. This variant has not been reported in the literature in individuals affected with MTOR-related conditions. This variant is present in population databases (no rsID available, gnomAD 0.003%). This sequence change replaces arginine, which is basic and polar, with tryptophan, which is neutral and slightly polar, at codon 32 of the MTOR protein (p.Arg32Trp).